The following is an entry in ClinVar:

ClinVar aggregate classification (germline): Uncertain significance (1 of 4 stars; one submission).

Allele frequency attached by ClinVar (database versions not stated): gnomAD exomes below 0.00001.
gnomAD v4.1: 5 of 1,613,862 alleles (0.00031%); highest among the groups gnomAD compares: Non-Finnish European, 0.00042%; no homozygotes.

Submission:

GeneDx
Classification: Uncertain significance. Last evaluated: 2019-04-15. Review status: criteria provided, single submitter. Criteria: GeneDx Variant Classification Process June 2021. Collection method: clinical testing. Allele origin: germline. Affected: yes.
Comment: Has not been previously published as pathogenic or benign to our knowledge; In silico analysis, which includes protein predictors and evolutionary conservation, supports that this variant does not alter protein structure/function; Occurs in the triple helical domain at the X position in the canonical Gly-X-Y repeat. Although this variant may have an effect on normal protein folding and function, missense substitution at the X position is not a common mechanism of disease (Stenson et al., 2014).; Not observed in large population cohorts (Lek et al., 2016)

NM_000088.4(COL1A1):c.1123C>T (p.Pro375Ser)

Gene: COL1A1 (collagen type I alpha 1 chain; minus strand). Cytogenetic location: 17q21.33.
Variant type: single nucleotide variant.
Coding change: c.1123C>T on transcript NM_000088.4 (MANE Select); coding-DNA position 1123, C replaced by T.
Protein change: p.Pro375Ser; replaces proline 375 with serine.
Molecular consequence: missense variant.
Genome position (GRCh38, 1-based): chr17:50,195,599, G>A on the plus strand (C>T on the coding strand, the complement: COL1A1 is on the minus strand). VCF-style: chr17-50195599-G-A. GRCh37 (hg19) VCF-style: chr17-48272960-G-A.
Other names: short protein forms P375S.
Identifiers: ClinVar variation 1305138 (VCV001305138.2), dbSNP rs567855944, ClinGen allele CA400219736.